The following is an entry in ClinVar:

NM_005566.4(LDHA):c.419-109A>C

Gene: LDHA (lactate dehydrogenase A; plus strand). Cytogenetic location: 11p15.1.
Variant type: single nucleotide variant.
Coding change: c.419-109A>C on transcript NM_005566.4 (MANE Select); 109 bases into the intron before coding-DNA position 419, A replaced by C.
Molecular consequence: intron variant.
Genome position (GRCh38, 1-based): chr11:18,402,731, A>C. VCF-style: chr11-18402731-A-C. GRCh37 (hg19) VCF-style: chr11-18424278-A-C.
Other names: c.419-109A>C (NM_001165416.2, NM_001165415.2); c.245-109A>C (NM_001135239.2); c.506-109A>C (NM_001165414.2).
Identifiers: ClinVar variation 683091 (VCV000683091.2), dbSNP rs16935411, ClinGen allele CA218584460.

ClinVar aggregate classification (germline): Benign. Review status: criteria provided, multiple submitters, no conflicts (2 of 4 stars). 2 submissions from 2 submitters: Benign (2). Last evaluated 2018-06-16.

Allele frequency attached by ClinVar (database versions not stated): gnomAD exomes 0.00215; gnomAD 0.01661 and 0.01745; TOPMed 0.01846; 1000 Genomes Project 0.02296; 1000 Genomes Project 30x 0.02483.
gnomAD v4.1: 4,074 of 841,102 alleles (0.48%); highest among the groups gnomAD compares: African/African-American, 5.8%; 113 homozygotes.

Submissions (2):

GeneDx
Classification: Benign. Last evaluated: 2018-06-16. Review status: criteria provided, single submitter. Criteria: GeneDx Variant Classification (06012015). Collection method: clinical testing. Allele origin: germline. Affected: yes.
Comment: This variant is considered likely benign or benign based on one or more of the following criteria: it is a conservative change, it occurs at a poorly conserved position in the protein, it is predicted to be benign by multiple in silico algorithms, and/or has population frequency not consistent with disease.

Breakthrough Genomics
Classification: Benign. Review status: criteria provided, single submitter. Criteria: ACMG Guidelines, 2015. Collection method: not provided. Allele origin: germline. Inheritance: Autosomal recessive inheritance. Affected: yes.